The following is an entry in ClinVar:

ClinVar aggregate classification (germline): Likely pathogenic (1 of 4 stars; one submission).

Conditions:
Maturity-onset diabetes of the young (MODY). Also called: Maturity onset diabetes mellitus in young. Identifiers: Orphanet 552, MedGen C0342276, MONDO:0018911, HP:0004904.

Submission:

Ambry Genetics
Classification: Likely pathogenic for Maturity-onset diabetes of the young. Last evaluated: 2019-04-29. Review status: criteria provided, single submitter. Criteria: Ambry Variant Classification Scheme 2023. Collection method: clinical testing. Allele origin: germline.
Comment: The c.527-1G>C intronic variant results from a G to C substitution one nucleotide upstream from coding exon 3 of the HNF1A gene. This nucleotide position is highly conserved in available vertebrate species. Using the BDGP and ESEfinder splice site prediction tools, this alteration is predicted to create a new alternate splice acceptor site; however, direct evidence is unavailable. Alterations that disrupt the canonical splice site are expected to cause aberrant splicing, resulting in an abnormal protein or a transcript that is subject to nonsense-mediated mRNA decay. As such, this alteration is classified as likely pathogenic.

NM_000545.8(HNF1A):c.527-1G>C

Gene: HNF1A (HNF1 homeobox A; plus strand). Cytogenetic location: 12q24.31.
Variant type: single nucleotide variant.
Coding change: c.527-1G>C on transcript NM_000545.8 (MANE Select); the canonical splice acceptor site of the intron before coding-DNA position 527, G replaced by C.
Molecular consequence: splice acceptor variant.
Genome position (GRCh38, 1-based): chr12:120,993,519, G>C. VCF-style: chr12-120993519-G-C. GRCh37 (hg19) VCF-style: chr12-121431322-G-C.
Other names: c.527-1G>C (NM_001306179.2, NM_001406915.1).
Identifiers: ClinVar variation 1746519 (VCV001746519.2), dbSNP rs1555211904, ClinGen allele CA386963415.